The following is an entry in ClinVar:

NM_001122681.2(SH3BP2):c.1151G>A (p.Arg384Gln)

Gene: SH3BP2 (SH3 domain binding protein 2; plus strand). Cytogenetic location: 4p16.3.
Variant type: single nucleotide variant.
Coding change: c.1151G>A on transcript NM_001122681.2 (MANE Select); coding-DNA position 1151, G replaced by A.
Protein change: p.Arg384Gln; replaces arginine 384 with glutamine.
Molecular consequence: missense variant.
Genome position (GRCh38, 1-based): chr4:2,830,057, G>A. VCF-style: chr4-2830057-G-A. GRCh37 (hg19) VCF-style: chr4-2831784-G-A.
Other names: c.1235G>A, p.Arg412Gln (LRG_1334t2, NM_001145855.2); c.1151G>A, p.Arg384Gln (LRG_1334t1, NM_003023.4); c.1322G>A, p.Arg441Gln (NM_001145856.2); short protein forms R384Q, R412Q, R441Q.
Identifiers: ClinVar variation 348586 (VCV000348586.20), dbSNP rs143129053, ClinGen allele CA2819400.

ClinVar aggregate classification (germline): Benign/Likely benign. Review status: criteria provided, multiple submitters, no conflicts (2 of 4 stars). 5 submissions from 5 submitters: Benign (2); Likely benign (2). 1 of the submissions does not count toward it. Last evaluated 2025-09-28.

Conditions:
SH3BP2-related disorder. Also called: SH3BP2-related condition.
Fibrous dysplasia of jaw (CRBM). Also called: Cherubism. Identifiers: Orphanet 184, MedGen C0008029, MONDO:0007315, OMIM 118400.
Congenital heart disease (CHD). Identifiers: MedGen C0152021, MONDO:0005453. Disease mechanism: unknown.

Allele frequency attached by ClinVar (database versions not stated): TOPMed 0.00020; gnomAD exomes 0.00030 and 0.00040; ESP Exome Variant Server 0.00031; gnomAD 0.00039 and 0.00042; ExAC 0.00061.
gnomAD v4.1: 505 of 1,611,748 alleles (0.031%); highest among the groups gnomAD compares: Non-Finnish European, 0.038%; 1 homozygote.

Submissions (7):

Labcorp Genetics (formerly Invitae), Labcorp
Classification: Likely benign for Fibrous dysplasia of jaw. Last evaluated: 2025-09-28. Review status: criteria provided, single submitter. Criteria: Invitae Variant Classification Sherloc (09022015). Collection method: clinical testing. Allele origin: germline.

Blueprint Genetics
Classification: Likely benign. Last evaluated: 2024-11-25. Review status: criteria provided, single submitter. Criteria: ACMG Guidelines, 2015. Collection method: clinical testing. Allele origin: germline.

Cambridge Genomics Laboratory, East Genomic Laboratory Hub, NHS Genomic Medicine Service
Classification: Benign for Congenital heart disease. Last evaluated: 2020-04-28. Review status: criteria provided, single submitter. Criteria: ACGS Best Practice Guidelines for Variant Classification in Rare Disease 2020. Collection method: clinical testing. Allele origin: germline. Affected: yes. Observed: 1 variant allele.

Illumina Laboratory Services, Illumina
Classification: Benign for Fibrous dysplasia of jaw. Last evaluated: 2018-01-12. Review status: criteria provided, single submitter. Criteria: ICSL Variant Classification Criteria 13 December 2019. Collection method: clinical testing. Allele origin: germline.
Comment: This variant was observed in the ICSL laboratory as part of a predisposition screen in an ostensibly healthy population. It had not been previously curated by ICSL or reported in the Human Gene Mutation Database (HGMD: prior to June 1st, 2018), and was therefore a candidate for classification through an automated scoring system. Utilizing variant allele frequency, disease prevalence and penetrance estimates, and inheritance mode, an automated score was calculated to assess if this variant is too frequent to cause the disease. Based on the score and internal cut-off values, a variant classified as benign is not then subjected to further curation. The score for this variant resulted in a classification of benign for this disease.

PreventionGenetics, part of Exact Sciences
Classification: Likely benign for SH3BP2-related condition. Last evaluated: 2024-01-31. Review status: no assertion criteria provided. Collection method: clinical testing. Allele origin: germline. Not counted in ClinVar's aggregate classification.
Comment: This variant is classified as likely benign based on ACMG/AMP sequence variant interpretation guidelines (Richards et al. 2015 PMID: 25741868, with internal and published modifications).

Dr. Peter K. Rogan Lab, Western University
No classification provided (evidence only). Condition: Melanoma. Review status: no classification provided. Collection method: in vitro. Allele origin: not applicable. Functional consequence: retained intron. Not counted in ClinVar's aggregate classification.

Dr. Peter K. Rogan Lab, Western University
No classification provided (evidence only). Condition: Thyroid cancer, nonmedullary, 1. Review status: no classification provided. Collection method: in vitro. Allele origin: not applicable. Functional consequence: retained intron. Not counted in ClinVar's aggregate classification.